The following is an entry in ClinVar:

ClinVar aggregate classification (germline): Uncertain significance. Review status: criteria provided, multiple submitters, no conflicts (2 of 4 stars). 2 submissions from 2 submitters: Uncertain significance (2). Last evaluated 2023-11-01.

Conditions:
Griscelli syndrome type 2 (GS2). Also called: PAID SYNDROME; PARTIAL ALBINISM AND IMMUNODEFICIENCY SYNDROME; GRISCELLI SYNDROME WITH HEMOPHAGOCYTIC SYNDROME. Identifiers: Orphanet 381, Orphanet 79477, MedGen C1868679, MONDO:0011872, OMIM 607624.

Allele frequency attached by ClinVar (database versions not stated): gnomAD exomes 0.00001; TOPMed 0.00001; ExAC 0.00002.
gnomAD v4.1: 8 of 1,613,364 alleles (0.0005%); highest among the groups gnomAD compares: South Asian, 0.0055%; no homozygotes.

Submissions (2):

Labcorp Genetics (formerly Invitae), Labcorp
Classification: Uncertain significance for Griscelli syndrome type 2. Last evaluated: 2023-11-01. Review status: criteria provided, single submitter. Criteria: Invitae Variant Classification Sherloc (09022015). Collection method: clinical testing. Allele origin: germline.
Comment: This sequence change replaces proline, which is neutral and non-polar, with arginine, which is basic and polar, at codon 158 of the RAB27A protein (p.Pro158Arg). This variant is present in population databases (rs746081723, gnomAD 0.006%). This variant has not been reported in the literature in individuals affected with RAB27A-related conditions. ClinVar contains an entry for this variant (Variation ID: 851791). Advanced modeling of protein sequence and biophysical properties (such as structural, functional, and spatial information, amino acid conservation, physicochemical variation, residue mobility, and thermodynamic stability) performed at Invitae indicates that this missense variant is not expected to disrupt RAB27A protein function with a negative predictive value of 95%. In summary, the available evidence is currently insufficient to determine the role of this variant in disease. Therefore, it has been classified as a Variant of Uncertain Significance.

Illumina Laboratory Services, Illumina
Classification: Uncertain significance for Griscelli syndrome type 2. Last evaluated: 2018-01-12. Review status: criteria provided, single submitter. Criteria: ICSL Variant Classification Criteria 13 December 2019. Collection method: clinical testing. Allele origin: germline.

NM_183235.3(RAB27A):c.473C>G (p.Pro158Arg)

Gene: RAB27A (RAB27A, member RAS oncogene family; minus strand). Cytogenetic location: 15q21.3.
Variant type: single nucleotide variant.
Coding change: c.473C>G on transcript NM_183235.3 (MANE Select); coding-DNA position 473, C replaced by G.
Protein change: p.Pro158Arg; replaces proline 158 with arginine.
Molecular consequence: missense variant.
Genome position (GRCh38, 1-based): chr15:55,205,700, G>C on the plus strand (C>G on the coding strand, the complement: RAB27A is on the minus strand). VCF-style: chr15-55205700-G-C. GRCh37 (hg19) VCF-style: chr15-55497898-G-C.
Other names: c.473C>G, p.Pro158Arg (NM_004580.5, NM_183234.3, NM_183236.3); short protein forms P158R.
Identifiers: ClinVar variation 851791 (VCV000851791.13), dbSNP rs746081723, ClinGen allele CA7573551.
Genomic context (GRCh38, chr15:55,205,700, plus strand): 5'-AGAAGCATCTCAATTGCTTGGCTTATGTTTGTCCCATTGGCAGCACTAGTTTCAAAGTAG[G>C]GGATTCTGGAAGACAGAGACAACTGAGGTAACAACATGTGGAGGGAAAGGAGAGTGACCT-3'
Protein context (NP_899058.1, residues 148-168): AIALAEKYGI[Pro158Arg]YFETSAANGT